The following is an entry in ClinVar:

NM_007055.4(POLR3A):c.4003G>A (p.Gly1335Arg)

Gene: POLR3A (RNA polymerase III subunit A; minus strand). Cytogenetic location: 10q22.3.
Variant type: single nucleotide variant.
Coding change: c.4003G>A on transcript NM_007055.4 (MANE Select); coding-DNA position 4003, G replaced by A.
Protein change: p.Gly1335Arg; replaces glycine 1335 with arginine.
Molecular consequence: missense variant.
Genome position (GRCh38, 1-based): chr10:77,980,162, C>T on the plus strand (G>A on the coding strand, the complement: POLR3A is on the minus strand). VCF-style: chr10-77980162-C-T. GRCh37 (hg19) VCF-style: chr10-79739920-C-T.
Other names: POLR3A, GLY1335ARG (rs768222183); NM_007055.4(POLR3A):c.4003G>A; p.Gly1335Arg; short protein forms G1335R.
Identifiers: ClinVar variation 549570 (VCV000549570.4), dbSNP rs768222183, ClinGen allele CA5570631.

ClinVar aggregate classification (germline): Conflicting classifications of pathogenicity. Review status: criteria provided, conflicting classifications (1 of 4 stars). 3 submissions from 3 submitters: Likely pathogenic (1); Uncertain significance (1). 1 of the submissions does not count toward it. Last evaluated 2024-01-24.

Conditions:
Neonatal pseudo-hydrocephalic progeroid syndrome. Also called: Wiedemann-Rautenstrauch syndrome. Identifiers: Orphanet 3455, MedGen C0406586, MONDO:0009910, OMIM 264090.
Leukodystrophy. Identifiers: Orphanet 68356, MedGen C0023520, MONDO:0019046, HP:0002415.

Allele frequency attached by ClinVar (database versions not stated): gnomAD exomes below 0.00001; TOPMed below 0.00001; ExAC 0.00001.
gnomAD v4.1: 4 of 1,613,886 alleles (0.00025%); highest among the groups gnomAD compares: African/African-American, 0.0013%; no homozygotes.

Submissions (3):

Broad Center for Mendelian Genomics, Broad Institute of MIT and Harvard
Classification: Uncertain significance for Leukodystrophy. Last evaluated: 2024-01-24. Review status: criteria provided, single submitter. Criteria: ACMG Guidelines, 2015. Collection method: curation. Allele origin: germline. Inheritance: Autosomal recessive inheritance.
Comment: The p.Gly1335Arg variant in POLR3A has been reported in 1 individual with hypomyelinating leukodystrophy (PMID: 30323018), and has been identified in 0.003% (1/30616) of South Asian chromosomes by the Genome Aggregation Database (gnomAD; dbSNP ID: rs768222183). Although this variant has been seen in the general population in a heterozygous state, its frequency is low enough to be consistent with a recessive carrier frequency. This variant has also been reported in ClinVar (Variation ID#: 549570) and has been interpreted as likely pathogenic by Tartaglia Lab (Genetics and Rare Diseases Research Division, Bambino Gesu' Children's Hospital) and pathogenic by OMIM. Computational prediction tools and conservation analyses do not provide strong support for or against an impact to the protein. The p.Gly1335Arg variant is located in a region of POLR3A that is essential to protein folding and stability, suggesting that this variant is in a functional domain and slightly supports pathogenicity (PMID: 30323018). In summary, while there is some suspicion for a pathogenic role, the clinical significance of this variant is uncertain. ACMG/AMP Criteria applied: PM1_supporting, PM2_supporting (Richards 2015).

Tartaglia Lab, Genetics and Rare Diseases Research Division, Bambino Gesu' Children's Hospital
Classification: Likely pathogenic for Neonatal pseudo-hydrocephalic progeroid syndrome. Last evaluated: 2018-05-01. Review status: criteria provided, single submitter. Criteria: ACMG Guidelines, 2015. Collection method: research. Allele origin: germline. Affected: yes.

OMIM
Classification: Pathogenic for WIEDEMANN-RAUTENSTRAUCH SYNDROME. Last evaluated: 2024-04-02. Review status: no assertion criteria provided. Collection method: literature only. Allele origin: germline. Not counted in ClinVar's aggregate classification.

Literature cited by the submitters: PubMed 30323018 (cited by OMIM).